The following is an entry in ClinVar:

ClinVar aggregate classification (germline): Uncertain significance (1 of 4 stars; one submission).

Submission:

Labcorp Genetics (formerly Invitae), Labcorp
Classification: Uncertain significance. Last evaluated: 2024-10-21. Review status: criteria provided, single submitter. Criteria: Invitae Variant Classification Sherloc (09022015). Collection method: clinical testing. Allele origin: germline.
Comment: This variant, c.967_969del, results in the deletion of 1 amino acid(s) of the HPS5 protein (p.Leu323del), but otherwise preserves the integrity of the reading frame. This variant is present in population databases (rs779700200, gnomAD 0.003%). This variant has not been reported in the literature in individuals affected with HPS5-related conditions. Experimental studies and prediction algorithms are not available or were not evaluated, and the functional significance of this variant is currently unknown. In summary, the available evidence is currently insufficient to determine the role of this variant in disease. Therefore, it has been classified as a Variant of Uncertain Significance.

NM_181507.2(HPS5):c.964CTT[1] (p.Leu323del)

Gene: HPS5 (HPS5 biogenesis of lysosomal organelles complex 2 subunit 2; minus strand). Cytogenetic location: 11p15.1.
Variant type: Microsatellite.
Coding change: c.964CTT[1] on transcript NM_181507.2 (MANE Select); one copy of the 3-base unit CTT starting at c.964; the reference has two copies in a row; one copy, 3 bases deleted.
Protein change: p.Leu323del; deletes leucine 323.
Molecular consequence: inframe deletion. On other transcripts: inframe indel (1).
Genome position (GRCh38, 1-based): chr11:18,300,844-18,300,846, AAG deleted on the plus strand (CTT on the coding strand, the reverse complement: HPS5 is on the minus strand); deleting any 3 consecutive bases within chr11:18,300,844-18,300,851 gives the same sequence; the position shown is the placement nearest the transcript's 3' end. VCF-style (leftmost placement, unchanged base first): chr11-18300843-AAAG-A. GRCh37 (hg19) VCF-style: chr11-18322390-AAAG-A.
Other names: c.622CTT[1], p.Leu209del (NM_007216.4); c.620_622TTC[1], p.Leu209del (NM_181508.2); short protein forms L209del, L323del.
Identifiers: ClinVar variation 1499261 (VCV001499261.7), dbSNP rs779700200, ClinGen allele CA5910274.
Genomic context (GRCh38, chr11:18,300,843, plus strand): 5'-TTTCATAAGCATGAGATTAAAAATTACAAAGAAAAATATAATTACCTTTGACTTCACTCC[AAAG>A]AAGAACTTGAACATTCTGAGGAATGAAAATATAAATTCCTCTTTCTGTCCAAGTCAGCAC-3'